The following is an entry in ClinVar:

ClinVar aggregate classification (germline): Likely pathogenic (1 of 4 stars; one submission).

Conditions:
Biotinidase deficiency. Also called: BTD deficiency; Late-onset biotin-responsive multiple carboxylase deficiency; Biotin deficiency. Identifiers: Orphanet 79241, MedGen C0220754, MONDO:0009665, OMIM 253260.

Submission:

Natera, Inc.
Classification: Likely pathogenic for Biotinidase deficiency. Last evaluated: 2024-04-15. Review status: criteria provided, single submitter. Criteria: Natera Variant Classification Schema (03/2026). Collection method: clinical testing. Allele origin: germline.
Comment: The c.757C>T variant in BTD is a missense variant predicted to cause substitution of proline to serine at amino acid 253. This variant is rare in the general population with a frequency below the threshold expected for the associated phenotype(s). This variant has been observed in one or more individuals affected with the associated recessive disease, as either homozygous or compound heterozygous with a second variant (PMID: 15776412). This variant has been identified in one or more affected individuals with a phenotype highly consistent with the associated gene (PMID: 15776412). Computational prediction algorithms indicate this variant is likely to affect gene or protein function. Given the available evidence, this variant is classified as Likely Pathogenic.

Literature cited by the submitters: PubMed 15776412.

NM_000060.4:c.757C>T

Variant type: single nucleotide variant.
Other names: c.757C>T (NM_000060.4).
Identifiers: ClinVar variation 4816051 (VCV004816051.1).